The following is an entry in ClinVar:

NM_001244710.2(GFPT1):c.1955C>T (p.Thr652Met)

Gene: GFPT1 (glutamine--fructose-6-phosphate transaminase 1; minus strand). Cytogenetic location: 2p13.3.
Variant type: single nucleotide variant.
Coding change: c.1955C>T on transcript NM_001244710.2 (MANE Select); coding-DNA position 1955, C replaced by T.
Protein change: p.Thr652Met; replaces threonine 652 with methionine.
Molecular consequence: missense variant.
Genome position (GRCh38, 1-based): chr2:69,327,014, G>A on the plus strand (C>T on the coding strand, the complement: GFPT1 is on the minus strand). VCF-style: chr2-69327014-G-A. GRCh37 (hg19) VCF-style: chr2-69554146-G-A.
Other names: c.1901C>T, p.Thr634Met (NM_002056.4); short protein forms T634M, T652M.
Identifiers: ClinVar variation 1040054 (VCV001040054.8), dbSNP rs781377676, ClinGen allele CA1693529.

ClinVar aggregate classification (germline): Uncertain significance (1 of 4 stars; one submission).

Conditions:
Congenital myasthenic syndrome 12 (CMS12). Also called: Myasthenia, congenital, 12, with tubular aggregates; MYASTHENIC SYNDROME, CONGENITAL, WITH TUBULAR AGGREGATES 1. Identifiers: Orphanet 353327, Orphanet 590, MedGen C3552335, MONDO:0012518, OMIM 610542.

Allele frequency attached by ClinVar (database versions not stated): TOPMed below 0.00001.
gnomAD v4.1: 12 of 1,614,014 alleles (0.00074%); highest among the groups gnomAD compares: Admixed American, 0.0033%; no homozygotes.

Submission:

Labcorp Genetics (formerly Invitae), Labcorp
Classification: Uncertain significance for Congenital myasthenic syndrome 12. Last evaluated: 2022-02-04. Review status: criteria provided, single submitter. Criteria: Invitae Variant Classification Sherloc (09022015). Collection method: clinical testing. Allele origin: germline.
Comment: This variant is present in population databases (rs781377676, gnomAD 0.006%). In summary, the available evidence is currently insufficient to determine the role of this variant in disease. Therefore, it has been classified as a Variant of Uncertain Significance. Algorithms developed to predict the effect of missense changes on protein structure and function (SIFT, PolyPhen-2, Align-GVGD) all suggest that this variant is likely to be tolerated. ClinVar contains an entry for this variant (Variation ID: 1040054). This variant has not been reported in the literature in individuals affected with GFPT1-related conditions. This sequence change replaces threonine, which is neutral and polar, with methionine, which is neutral and non-polar, at codon 652 of the GFPT1 protein (p.Thr652Met).